The following is an entry in ClinVar:

ClinVar aggregate classification (germline): Uncertain significance (1 of 4 stars; one submission).

gnomAD v4.1: 1 of 1,613,910 alleles (0.000062%); highest among the groups gnomAD compares: Non-Finnish European, 0.000085%; no homozygotes.

Submission:

GeneDx
Classification: Uncertain significance. Last evaluated: 2026-10-13. Review status: criteria provided, single submitter. Criteria: GeneDx Variant Classification Process June 2021. Collection method: clinical testing. Allele origin: germline.
Comment: In silico analysis supports that this missense variant has a deleterious effect on protein structure/function; Has not been previously published as pathogenic or benign to our knowledge

NM_007144.3(PCGF2):c.125G>A (p.Cys42Tyr)

Gene: PCGF2 (polycomb group ring finger 2; minus strand). Cytogenetic location: 17q12.
Variant type: single nucleotide variant.
Coding change: c.125G>A on transcript NM_007144.3 (MANE Select); coding-DNA position 125, G replaced by A.
Protein change: p.Cys42Tyr; replaces cysteine 42 with tyrosine.
Molecular consequence: missense variant.
Genome position (GRCh38, 1-based): chr17:38,739,670, C>T on the plus strand (G>A on the coding strand, the complement: PCGF2 is on the minus strand). VCF-style: chr17-38739670-C-T. GRCh37 (hg19) VCF-style: chr17-36895923-C-T.
Other names: c.125G>A, p.Cys42Tyr (NM_001369614.1, NM_001369615.1); short protein forms C42Y.
Identifiers: ClinVar variation 4975885 (VCV004975885.2).